The following is an entry in ClinVar:

ClinVar aggregate classification (germline): Uncertain significance (1 of 4 stars; one submission).

Conditions:
Holoprosencephaly 2 (HPE2). Identifiers: Orphanet 2162, MedGen C1834877, MONDO:0007999, OMIM 157170.

Allele frequency attached by ClinVar (database versions not stated): gnomAD exomes 0.00001.

Submission:

Labcorp Genetics (formerly Invitae), Labcorp
Classification: Uncertain significance for Holoprosencephaly 2. Last evaluated: 2023-11-27. Review status: criteria provided, single submitter. Criteria: Invitae Variant Classification Sherloc (09022015). Collection method: clinical testing. Allele origin: germline.
Comment: This sequence change replaces leucine, which is neutral and non-polar, with isoleucine, which is neutral and non-polar, at codon 7 of the SIX3 protein (p.Leu7Ile). This variant is present in population databases (no rsID available, gnomAD 0.006%). This variant has not been reported in the literature in individuals affected with SIX3-related conditions. ClinVar contains an entry for this variant (Variation ID: 1399098). An algorithm developed to predict the effect of missense changes on protein structure and function (PolyPhen-2) suggests that this variant is likely to be disruptive. In summary, the available evidence is currently insufficient to determine the role of this variant in disease. Therefore, it has been classified as a Variant of Uncertain Significance.

NM_005413.4(SIX3):c.19C>A (p.Leu7Ile)

Gene: SIX3 (SIX homeobox 3; plus strand). Cytogenetic location: 2p21.
Variant type: single nucleotide variant.
Coding change: c.19C>A on transcript NM_005413.4 (MANE Select); coding-DNA position 19, C replaced by A.
Protein change: p.Leu7Ile; replaces leucine 7 with isoleucine.
Molecular consequence: missense variant.
Genome position (GRCh38, 1-based): chr2:44,942,123, C>A. VCF-style: chr2-44942123-C-A. GRCh37 (hg19) VCF-style: chr2-45169262-C-A.
Other names: short protein forms L7I.
Identifiers: ClinVar variation 1399098 (VCV001399098.6), dbSNP rs1490771348, ClinGen allele CA346798710.